The following is an entry in ClinVar:

NM_001164508.2(NEB):c.7378C>G (p.Pro2460Ala)

Gene: NEB (nebulin; minus strand). Cytogenetic location: 2q23.3.
Variant type: single nucleotide variant.
Coding change: c.7378C>G on transcript NM_001164508.2 (MANE Select); coding-DNA position 7378, C replaced by G.
Protein change: p.Pro2460Ala; replaces proline 2460 with alanine.
Molecular consequence: missense variant.
Genome position (GRCh38, 1-based): chr2:151,650,229, G>C on the plus strand (C>G on the coding strand, the complement: NEB is on the minus strand). VCF-style: chr2-151650229-G-C. GRCh37 (hg19) VCF-style: chr2-152506743-G-C.
Other names: c.7378C>G, p.Pro2460Ala (NM_001164507.2, NM_001271208.2, NM_004543.5); short protein forms P2460A.
Identifiers: ClinVar variation 4799069 (VCV004799069.1).

ClinVar aggregate classification (germline): Uncertain significance (1 of 4 stars; one submission).

Conditions:
Nemaline myopathy 2 (NEM2). Also called: Nemaline myopathy 2, autosomal recessive. Identifiers: MedGen C1850569, MONDO:0009725, OMIM 256030.

Submission:

Labcorp Genetics (formerly Invitae), Labcorp
Classification: Uncertain significance for Nemaline myopathy 2. Last evaluated: 2025-11-23. Review status: criteria provided, single submitter. Criteria: Invitae Variant Classification Sherloc (09022015). Collection method: clinical testing. Allele origin: germline.
Comment: This sequence change replaces proline, which is neutral and non-polar, with alanine, which is neutral and non-polar, at codon 2460 of the NEB protein (p.Pro2460Ala). This variant is not present in population databases (gnomAD no frequency). This variant has not been reported in the literature in individuals affected with NEB-related conditions. Experimental studies and prediction algorithms are not available or were not evaluated, and the functional significance of this variant is currently unknown. In summary, the available evidence is currently insufficient to determine the role of this variant in disease. Therefore, it has been classified as a Variant of Uncertain Significance.